The following is an entry in ClinVar:

NM_002850.4(PTPRS):c.3087G>A (p.Thr1029=)

Gene: PTPRS (protein tyrosine phosphatase receptor type S; minus strand). Cytogenetic location: 19p13.3.
Variant type: single nucleotide variant.
Coding change: c.3087G>A on transcript NM_002850.4 (MANE Select); coding-DNA position 3087, G replaced by A.
Protein change: p.Thr1029=; no amino-acid change (threonine 1029 retained).
Molecular consequence: synonymous variant. On other transcripts: intron variant (2).
Genome position (GRCh38, 1-based): chr19:5,222,705, C>T on the plus strand (G>A on the coding strand, the complement: PTPRS is on the minus strand). VCF-style: chr19-5222705-C-T. GRCh37 (hg19) VCF-style: chr19-5222716-C-T.
Other names: c.3021G>A, p.Thr1007= (NM_001394011.1, NM_001394013.1, NM_130854.3); c.3048G>A, p.Thr1016= (NM_001394012.1); c.1811-485G>A (NM_130853.3); c.1823-485G>A (NM_130855.3).
Identifiers: ClinVar variation 2649112 (VCV002649112.24), dbSNP rs370072156, ClinGen allele CA9109725.
Genomic context (GRCh38, chr19:5,222,705, plus strand): 5'-CAAGGCCCGGTCCGGCTCTGGTGCAGGGGTCGCCGCGCGCCTACCTTGGTCCCGCAGGAA[C>T]GTCCGGTAGCGGACGGGGGGGCTGAAGGGGCCAGGGCCCCGGCGCGTGTGGGCTCGCACT-3'
Protein context (NP_002841.3, residues 1019-1039): GPFSPPVRYR[Thr1029=]FLRDQVSPKN

ClinVar aggregate classification (germline): Likely benign (1 of 4 stars; one submission).

Allele frequency attached by ClinVar (database versions not stated): ExAC 0.00001; gnomAD 0.00001; gnomAD exomes 0.00001; ESP Exome Variant Server 0.00008; 1000 Genomes Project 30x 0.00016.
gnomAD v4.1: 19 of 1,589,136 alleles (0.0012%); highest among the groups gnomAD compares: Admixed American, 0.0068%; no homozygotes.

Submission:

CeGaT Center for Human Genetics Tuebingen
Classification: Likely benign. Last evaluated: 2022-06-01. Review status: criteria provided, single submitter. Criteria: CeGaT Center For Human Genetics Tuebingen Variant Classification Criteria Version 2. Collection method: clinical testing. Allele origin: germline. Affected: yes. Observed: 1 variant allele.
Comment: PTPRS: BP4, BP7